The following is an entry in ClinVar:

ClinVar aggregate classification (germline): Uncertain significance. Review status: criteria provided, multiple submitters, no conflicts (2 of 4 stars). 2 submissions from 2 submitters: Uncertain significance (2). Last evaluated 2025-10-15.

Conditions:
Hereditary cancer-predisposing syndrome. Also called: Tumor predisposition; Hereditary Cancer Syndrome; Neoplastic Syndromes, Hereditary; Hereditary neoplastic syndrome. Identifiers: Orphanet 140162, MedGen C0027672, MeSH D009386, MONDO:0015356.
Parathyroid carcinoma (PRTC). Also called: CDC73-Related Parathyroid Carcinoma; Parathyroid gland carcinoma. Identifiers: Orphanet 143, MedGen C0687150, MONDO:0012004, OMIM 608266, HP:0006780.

Submissions (2):

Ambry Genetics
Classification: Uncertain significance for Hereditary cancer-predisposing syndrome. Last evaluated: 2025-10-15. Review status: criteria provided, single submitter. Criteria: Ambry Variant Classification Scheme 2023. Collection method: clinical testing. Allele origin: germline.
Comment: The p.T368A variant (also known as c.1102A>G), located in coding exon 13 of the CDC73 gene, results from an A to G substitution at nucleotide position 1102. The threonine at codon 368 is replaced by alanine, an amino acid with similar properties. This amino acid position is conserved. In addition, the in silico prediction for this alteration is inconclusive. Based on the available evidence, the clinical significance of this variant remains unclear.

Labcorp Genetics (formerly Invitae), Labcorp
Classification: Uncertain significance for Parathyroid carcinoma. Last evaluated: 2022-11-29. Review status: criteria provided, single submitter. Criteria: Invitae Variant Classification Sherloc (09022015). Collection method: clinical testing. Allele origin: germline.
Comment: In summary, the available evidence is currently insufficient to determine the role of this variant in disease. Therefore, it has been classified as a Variant of Uncertain Significance. This variant has not been reported in the literature in individuals affected with CDC73-related conditions. This sequence change replaces threonine, which is neutral and polar, with alanine, which is neutral and non-polar, at codon 368 of the CDC73 protein (p.Thr368Ala). This variant is present in population databases (no rsID available, gnomAD 0.0009%). Advanced modeling of protein sequence and biophysical properties (such as structural, functional, and spatial information, amino acid conservation, physicochemical variation, residue mobility, and thermodynamic stability) performed at Invitae indicates that this missense variant is not expected to disrupt CDC73 protein function.

NM_024529.5(CDC73):c.1102A>G (p.Thr368Ala)

Gene: CDC73 (cell division cycle 73; plus strand). Cytogenetic location: 1q31.2.
Variant type: single nucleotide variant.
Coding change: c.1102A>G on transcript NM_024529.5 (MANE Select); coding-DNA position 1102, A replaced by G.
Protein change: p.Thr368Ala; replaces threonine 368 with alanine.
Molecular consequence: missense variant.
Genome position (GRCh38, 1-based): chr1:193,212,425, A>G. VCF-style: chr1-193212425-A-G. GRCh37 (hg19) VCF-style: chr1-193181555-A-G.
Other names: short protein forms T368A.
Identifiers: ClinVar variation 1792717 (VCV001792717.6), dbSNP rs1358233620, ClinGen allele CA344077580.